The following is an entry in ClinVar:

NM_030958.3(SLCO5A1):c.497A>T (p.Glu166Val)

Gene: SLCO5A1 (solute carrier organic anion transporter family member 5A1; minus strand). Cytogenetic location: 8q13.3.
Variant type: single nucleotide variant.
Coding change: c.497A>T on transcript NM_030958.3 (MANE Select); coding-DNA position 497, A replaced by T.
Protein change: p.Glu166Val; replaces glutamic acid 166 with valine.
Molecular consequence: missense variant.
Genome position (GRCh38, 1-based): chr8:69,832,177, T>A on the plus strand (A>T on the coding strand, the complement: SLCO5A1 is on the minus strand). VCF-style: chr8-69832177-T-A. GRCh37 (hg19) VCF-style: chr8-70744412-T-A.
Other names: c.497A>T, p.Glu166Val (NM_001146008.2, NM_001146009.1); c.497A>T (NM_030958.2); short protein forms E166V.
Identifiers: ClinVar variation 1412706 (VCV001412706.7), dbSNP rs373889949, ClinGen allele CA4776803.
Genomic context (GRCh38, chr8:69,832,177, plus strand): 5'-CTGACGAACACCACCACCACCAGGTTCCCGATGTCAAAGCAGCTGACCAGCAGCCCCGAC[T>A]CGGAACTCTTCAGACTGTAGCGCCTTTCAATGGTGGTAATTACGCTGCTCAGGTACCCAG-3'
Protein context (NP_112220.2, residues 156-176): IERRYSLKSS[Glu166Val]SGLLVSCFDI

ClinVar aggregate classification (germline): Uncertain significance. Review status: criteria provided, multiple submitters, no conflicts (2 of 4 stars). 2 submissions from 2 submitters: Uncertain significance (2). Last evaluated 2026-01-27.

Allele frequency attached by ClinVar (database versions not stated): gnomAD 0.00017 and 0.00018; TOPMed 0.00019; 1000 Genomes Project 0.00020; gnomAD exomes 0.00024 and 0.00031; 1000 Genomes Project 30x 0.00031; ExAC 0.00032; ESP Exome Variant Server 0.00038.
gnomAD v4.1: 374 of 1,614,144 alleles (0.023%); highest among the groups gnomAD compares: South Asian, 0.14%; 2 homozygotes.

Submissions (2):

Labcorp Genetics (formerly Invitae), Labcorp
Classification: Uncertain significance. Last evaluated: 2026-01-27. Review status: criteria provided, single submitter. Criteria: Invitae Variant Classification Sherloc (09022015). Collection method: clinical testing. Allele origin: germline.
Comment: This sequence change replaces glutamic acid, which is acidic and polar, with valine, which is neutral and non-polar, at codon 166 of the SLCO5A1 protein (p.Glu166Val). This variant is present in population databases (rs373889949, gnomAD 0.1%), and has an allele count higher than expected for a pathogenic variant. This variant has not been reported in the literature in individuals affected with SLCO5A1-related conditions. ClinVar contains an entry for this variant (Variation ID: 1412706). An algorithm developed to predict the effect of missense changes on protein structure and function (PolyPhen-2) suggests that this variant is likely to be disruptive. In summary, the available evidence is currently insufficient to determine the role of this variant in disease. Therefore, it has been classified as a Variant of Uncertain Significance.

Ambry Genetics
Classification: Uncertain significance. Last evaluated: 2023-10-05. Review status: criteria provided, single submitter. Criteria: Ambry Variant Classification Scheme 2023. Collection method: clinical testing. Allele origin: germline.